The following is an entry in ClinVar:

NM_003072.5(SMARCA4):c.4683G>T (p.Arg1561=)

Gene: SMARCA4 (SWI/SNF related BAF chromatin remodeling complex subunit ATPase 4; plus strand). Cytogenetic location: 19p13.2.
Variant type: single nucleotide variant.
Coding change: c.4683G>T on transcript NM_003072.5 (MANE Select); coding-DNA position 4683, G replaced by T.
Protein change: p.Arg1561=; no amino-acid change (arginine 1561 retained).
Molecular consequence: synonymous variant. On other transcripts: non-coding transcript variant (1).
Genome position (GRCh38, 1-based): chr19:11,059,800, G>T. VCF-style: chr19-11059800-G-T. GRCh37 (hg19) VCF-style: chr19-11170476-G-T.
Other names: c.4683G>T, p.Arg1561= (NM_001128844.3); c.4593G>T, p.Arg1531= (NM_001128845.2); c.4590G>T, p.Arg1530= (NM_001128846.2); c.4584G>T, p.Arg1528= (NM_001128847.4, NM_001374457.1); c.4581G>T, p.Arg1527= (NM_001128848.2); c.4779G>T, p.Arg1593= (NM_001128849.3, NM_001387283.1); c.4680G>T, p.Arg1560= (NM_001411150.1).
Identifiers: ClinVar variation 3625602 (VCV003625602.3).
Genomic context (GRCh38, chr19:11,059,800, plus strand): 5'-TGTCTCTGCCCAGATCTATGAAGACTCCATCGTCTTGCAGTCGGTCTTCACCAGCGTGCG[G>T]CAGAAAATCGAGAAGGAGGATGACAGTGAAGGCGAGGAGAGTGAGGAGGAGGAAGAGGGC-3'
Protein context (NP_003063.2, residues 1551-1571): IVLQSVFTSV[Arg1561=]QKIEKEDDSE

ClinVar aggregate classification (germline): Benign/Likely benign. Review status: criteria provided, multiple submitters, no conflicts (2 of 4 stars). 2 submissions from 2 submitters: Benign (1); Likely benign (1). Last evaluated 2026-07-23.

Conditions:
Rhabdoid tumor predisposition syndrome 2 (RTPS2). Identifiers: Orphanet 231108, Orphanet 69077, MedGen C2750074, MONDO:0013224, OMIM 613325.

Submissions (2):

Myriad Genetics, Inc.
Classification: Benign for Rhabdoid tumor predisposition syndrome 2. Last evaluated: 2026-07-23. Review status: criteria provided, single submitter. Criteria: Myriad Autosomal Dominant, Autosomal Recessive and X-Linked Classification Criteria (2023). Collection method: clinical testing. Allele origin: unknown.
Comment: This variant is considered benign. This variant is a silent/synonymous amino acid change and it is not expected to impact splicing.

Labcorp Genetics (formerly Invitae), Labcorp
Classification: Likely benign for Rhabdoid tumor predisposition syndrome 2. Last evaluated: 2024-11-13. Review status: criteria provided, single submitter. Criteria: Invitae Variant Classification Sherloc (09022015). Collection method: clinical testing. Allele origin: germline.